The following is an entry in ClinVar:

ClinVar aggregate classification (germline): Uncertain significance (1 of 4 stars; one submission).

Conditions:
Cardiovascular phenotype. Identifiers: MedGen CN230736.

Submission:

Ambry Genetics
Classification: Uncertain significance for Cardiovascular phenotype. Last evaluated: 2026-08-02. Review status: criteria provided, single submitter. Criteria: Ambry Variant Classification Scheme 2023. Collection method: clinical testing. Allele origin: germline.
Comment: The p.A2S variant (also known as c.4G>T), located in coding exon 1 of the CBL gene, results from a G to T substitution at nucleotide position 4. The alanine at codon 2 is replaced by serine, an amino acid with similar properties. This amino acid position is conserved. In addition, the in silico prediction for this alteration is inconclusive. Based on the available evidence, the clinical significance of this variant remains unclear.

NM_005188.4(CBL):c.4G>T (p.Ala2Ser)

Genes: CBL (Cbl proto-oncogene; plus strand), LOC130006895 (ATAC-STARR-seq lymphoblastoid silent region 3975; plus strand). Cytogenetic location: 11q23.3.
Variant type: single nucleotide variant.
Coding change: c.4G>T on transcript NM_005188.4 (MANE Select); coding-DNA position 4, G replaced by T.
Protein change: p.Ala2Ser; replaces alanine 2 with serine.
Molecular consequence: missense variant.
Genome position (GRCh38, 1-based): chr11:119,206,421, G>T. VCF-style: chr11-119206421-G-T. GRCh37 (hg19) VCF-style: chr11-119077131-G-T.
Other names: short protein forms A2S.
Identifiers: ClinVar variation 5033759 (VCV005033759.1).